The following is an entry in ClinVar:

NM_001128148.3(TFRC):c.733G>A (p.Asp245Asn)

Gene: TFRC (transferrin receptor; minus strand). Cytogenetic location: 3q29.
Variant type: single nucleotide variant.
Coding change: c.733G>A on transcript NM_001128148.3 (MANE Select); coding-DNA position 733, G replaced by A.
Protein change: p.Asp245Asn; replaces aspartic acid 245 with asparagine.
Molecular consequence: missense variant. On other transcripts: 5 prime UTR variant (1).
Genome position (GRCh38, 1-based): chr3:196,069,523, C>T on the plus strand (G>A on the coding strand, the complement: TFRC is on the minus strand). VCF-style: chr3-196069523-C-T. GRCh37 (hg19) VCF-style: chr3-195796394-C-T.
Other names: c.490G>A, p.Asp164Asn (NM_001313965.2); c.-114G>A (NM_001313966.2); c.733G>A, p.Asp245Asn (NM_003234.4); short protein forms D245N, D164N.
Identifiers: ClinVar variation 2094187 (VCV002094187.4), dbSNP rs756556656, ClinGen allele CA2778203.
Genomic context (GRCh38, chr3:196,069,523, plus strand): 5'-CAAAGGTGATTTTCCCTGCTCTGACAATCACTATAGATCCATTCACAGGAGTGTATAAAT[C>T]CTCAAAATCTTTTTTAGTACCAAAATTAGCATGGACCAGTTTACCCTAGAACAAAGACAT-3'
Protein context (NP_001121620.1, residues 235-255): ANFGTKKDFE[Asp245Asn]LYTPVNGSIV

ClinVar aggregate classification (germline): Uncertain significance (1 of 4 stars; one submission).

Allele frequency attached by ClinVar (database versions not stated): gnomAD exomes below 0.00001; ExAC 0.00001.
gnomAD v4.1: 2 of 1,613,412 alleles (0.00012%); highest among the groups gnomAD compares: Non-Finnish European, 0.00017%; no homozygotes.

Submission:

Labcorp Genetics (formerly Invitae), Labcorp
Classification: Uncertain significance. Last evaluated: 2022-03-27. Review status: criteria provided, single submitter. Criteria: Invitae Variant Classification Sherloc (09022015). Collection method: clinical testing. Allele origin: germline.
Comment: In summary, the available evidence is currently insufficient to determine the role of this variant in disease. Therefore, it has been classified as a Variant of Uncertain Significance. Algorithms developed to predict the effect of missense changes on protein structure and function output the following: SIFT: "Tolerated"; PolyPhen-2: "Benign"; Align-GVGD: "Class C0". The asparagine amino acid residue is found in multiple mammalian species, which suggests that this missense change does not adversely affect protein function. This variant has not been reported in the literature in individuals affected with TFRC-related conditions. This variant is present in population databases (rs756556656, gnomAD 0.0009%). This sequence change replaces aspartic acid, which is acidic and polar, with asparagine, which is neutral and polar, at codon 245 of the TFRC protein (p.Asp245Asn).